The following is an entry in ClinVar:

ClinVar aggregate classification (germline): Conflicting classifications of pathogenicity. Review status: criteria provided, conflicting classifications (1 of 4 stars). 2 submissions from 2 submitters: Likely pathogenic (1); Uncertain significance (1). Last evaluated 2025-12-03.

Conditions:
Muscular dystrophy-dystroglycanopathy (congenital with brain and eye anomalies), type A3. Also called: WALKER-WARBURG SYNDROME OR MUSCLE-EYE-BRAIN DISEASE, POMGNT1-RELATED; Muscular dystrophy-dystroglycanopathy (congenital with brain and eye anomalies), type A, 3; Congenital muscular dystrophy-dystroglycanopathy with brain and eye anomalies, type A3. Identifiers: MedGen C3151519, MONDO:0009667, OMIM 253280.

Submissions (2):

Women's Health and Genetics/Laboratory Corporation of America, LabCorp
Classification: Uncertain significance. Last evaluated: 2025-12-03. Review status: criteria provided, single submitter. Criteria: LabCorp Variant Classification Summary - May 2015. Collection method: clinical testing. Allele origin: germline.
Comment: Variant summary: POMGNT1 c.316A>C (p.Ser106Arg) results in a non-conservative amino acid change in the encoded protein sequence. Algorithms developed to predict the effect of missense changes on protein structure and function all suggest that this variant is likely to be disruptive. The variant was absent in 251446 control chromosomes (gnomAD). The available data on variant occurrences in the general population are insufficient to allow any conclusion about variant significance. c.316A>C has been observed in an individual affected with features of Muscular dystrophy-dystroglycanopathy (congenital with brain and eye anomalies), type A3 (Masih_2022). These data do not allow any conclusion about variant significance. To our knowledge, no experimental evidence demonstrating an impact on protein function has been reported. The following publication has been ascertained in the context of this evaluation (PMID: 35568357). ClinVar contains an entry for this variant (Variation ID: 1676834). Based on the evidence outlined above, the variant was classified as uncertain significance.

Department of Medical Genetics, Sanjay Gandhi Post Graduate Institute of Medical Sciences
Classification: Likely pathogenic for Muscular dystrophy-dystroglycanopathy (congenital with brain and eye anomalies), type A3. Review status: criteria provided, single submitter. Criteria: ACMG Guidelines, 2015. Collection method: clinical testing. Allele origin: germline. Inheritance: Autosomal recessive inheritance. Affected: yes. Observed: 1 compound heterozygote.

Literature cited by the submitters: PubMed 35568357 (cited by Women's Health and Genetics/Laboratory Corporation of America, LabCorp).

NM_017739.4(POMGNT1):c.316A>C (p.Ser106Arg)

Gene: POMGNT1 (protein O-linked mannose N-acetylglucosaminyltransferase 1 (beta 1,2-); minus strand). Cytogenetic location: 1p34.1.
Variant type: single nucleotide variant.
Coding change: c.316A>C on transcript NM_017739.4 (MANE Select); coding-DNA position 316, A replaced by C.
Protein change: p.Ser106Arg; replaces serine 106 with arginine.
Molecular consequence: missense variant. On other transcripts: 5 prime UTR variant (1).
Genome position (GRCh38, 1-based): chr1:46,196,769, T>G on the plus strand (A>C on the coding strand, the complement: POMGNT1 is on the minus strand). VCF-style: chr1-46196769-T-G. GRCh37 (hg19) VCF-style: chr1-46662441-T-G.
Other names: c.316A>C, p.Ser106Arg (NM_001243766.2, NM_001410783.1); c.250A>C, p.Ser84Arg (NM_001290129.3); c.-114A>C (NM_001290130.2); short protein forms S106R, S84R.
Identifiers: ClinVar variation 1676834 (VCV001676834.3), dbSNP rs756316567, ClinGen allele CA340191605.